The following is an entry in ClinVar:

ClinVar aggregate classification (germline): Uncertain significance (1 of 4 stars; one submission).

Conditions:
BBS9-related disorder. Also called: BBS9-related condition.

Submission:

PreventionGenetics, part of Exact Sciences
Classification: Uncertain significance for BBS9-related condition. Last evaluated: 2026-04-24. Review status: criteria provided, single submitter. Criteria: ACMG Guidelines, 2015. Collection method: clinical testing. Allele origin: germline.
Comment: The BBS9 c.2173A>C variant is predicted to result in the amino acid substitution p.Thr725Pro. To our knowledge, this variant has not been reported in the literature or in a large population database (gnomAD), indicating this variant is rare. At this time, the clinical significance of this variant is uncertain due to the absence of conclusive functional and genetic evidence.

NM_198428.3(BBS9):c.2173A>C (p.Thr725Pro)

Gene: BBS9 (Bardet-Biedl syndrome 9; plus strand). Cytogenetic location: 7p14.3.
Variant type: single nucleotide variant.
Coding change: c.2173A>C on transcript NM_198428.3 (MANE Select); coding-DNA position 2173, A replaced by C.
Protein change: p.Thr725Pro; replaces threonine 725 with proline.
Molecular consequence: missense variant. On other transcripts: non-coding transcript variant (3), intron variant (1).
Genome position (GRCh38, 1-based): chr7:33,505,520, A>C. VCF-style: chr7-33505520-A-C. GRCh37 (hg19) VCF-style: chr7-33545132-A-C.
Other names: c.2068A>C, p.Thr690Pro (NM_001033604.2); c.2158A>C, p.Thr720Pro (NM_001033605.2); c.2173A>C, p.Thr725Pro (NM_001348036.1, NM_001348041.4, NM_001348043.3 and 1 more transcripts); c.1900A>C, p.Thr634Pro (NM_001348038.3); c.1795A>C, p.Thr599Pro (NM_001348039.3); c.2053A>C, p.Thr685Pro (NM_001348040.3, NM_014451.4); c.2038A>C, p.Thr680Pro (NM_001348042.3); c.1702A>C, p.Thr568Pro (NM_001348044.3); and 2 more; short protein forms T603P, T690P, T568P, T685P, T720P, T599P, T634P, T680P.
Identifiers: ClinVar variation 4998401 (VCV004998401.1).
Genomic context (GRCh38, chr7:33,505,520, plus strand): 5'-CAGGTAATTGCTCTAGCAGATGCAGTGGAGGAAAACCAAGGCAATCTGTTCCAGTCATTC[A>C]CCAGGCTGAAGAGTGCCACCCATTTGGTGATTCTGCTGATCGCGCTGTGGCAGAAGCTTA-3'
Protein context (NP_940820.1, residues 715-735): ENQGNLFQSF[Thr725Pro]RLKSATHLVI